The following is an entry in ClinVar:

NM_000543.5(SMPD1):c.152A>T (p.Asp51Val)

Gene: SMPD1 (sphingomyelin phosphodiesterase 1; plus strand). Cytogenetic location: 11p15.4.
Variant type: single nucleotide variant.
Coding change: c.152A>T on transcript NM_000543.5 (MANE Select); coding-DNA position 152, A replaced by T.
Protein change: p.Asp51Val; replaces aspartic acid 51 with valine.
Molecular consequence: missense variant. On other transcripts: 5 prime UTR variant (1), non-coding transcript variant (2).
Genome position (GRCh38, 1-based): chr11:6,390,750, A>T. VCF-style: chr11-6390750-A-T. GRCh37 (hg19) VCF-style: chr11-6411980-A-T.
Other names: c.152A>T (NM_000543.4); c.152A>T, p.Asp51Val (NM_001007593.3, NM_001318087.2, NM_001365135.2); c.-810A>T (NM_001318088.2); short protein forms D51V.
Identifiers: ClinVar variation 1209797 (VCV001209797.11), dbSNP rs748589919, ClinGen allele CA5852508.

ClinVar aggregate classification (germline): Conflicting classifications of pathogenicity. Review status: criteria provided, conflicting classifications (1 of 4 stars). 7 submissions from 6 submitters: Likely pathogenic (3); Uncertain significance (4). Last evaluated 2025-10-14.

Conditions:
Sphingomyelin/cholesterol lipidosis. Also called: Niemann-Pick disease. Identifiers: MedGen C0028064, MONDO:0001982.
Acid sphingomyelinase deficiency. Identifiers: Orphanet 618899, MedGen C5243927, MONDO:0100464.
Niemann-Pick disease, type A. Also called: Infantile Neurovisceral ASMD (Niemann-Pick Disease Type A; NPD-A); SPHINGOMYELIN LIPIDOSIS; SPHINGOMYELINASE DEFICIENCY. Identifiers: Orphanet 77292, MedGen C0268242, MONDO:0009756, OMIM 257200. Disease mechanism: loss of function.
Niemann-Pick disease, type B. Also called: Chronic Visceral ASMD (Niemann-Pick Disease Type B; NPD-B). Identifiers: Orphanet 77293, MedGen C0268243, MONDO:0011871, OMIM 607616. Disease mechanism: loss of function.

Allele frequency attached by ClinVar (database versions not stated): TOPMed below 0.00001; gnomAD 0.00001; gnomAD exomes 0.00001.
gnomAD v4.1: 14 of 1,607,138 alleles (0.00087%); highest among the groups gnomAD compares: South Asian, 0.0088%; no homozygotes.

Submissions (7):

Myriad Genetics, Inc.
Classification: Uncertain significance for Acid sphingomyelinase deficiency. Last evaluated: 2025-10-14. Review status: criteria provided, single submitter. Criteria: Myriad Autosomal Dominant, Autosomal Recessive and X-Linked Classification Criteria (2023). Collection method: clinical testing. Allele origin: unknown.
Comment: NM_000543.4(SMPD1):c.152A>T(D51V) is a missense variant classified as a variant of uncertain significance in the context of Niemann-Pick disease, SMPD1-related. D51V has been observed in cases with relevant disease (PMID: 12369017, 17011332). Relevant functional assessments of this variant are available in the literature (PMID: 25910212). D51V has been observed in referenced population frequency databases. In summary, there is insufficient evidence to classify NM_000543.4(SMPD1):c.152A>T(D51V) as pathogenic or benign. Please note: this variant was assessed in the context of healthy population screening.

Fulgent Genetics
Classification: Likely pathogenic for Niemann-Pick disease, type A; Niemann-Pick disease, type B. Last evaluated: 2024-04-16. Review status: criteria provided, single submitter. Criteria: ACMG Guidelines, 2015. Collection method: clinical testing. Allele origin: germline.

Baylor Genetics
Classification: Likely pathogenic for Niemann-Pick disease, type A. Last evaluated: 2023-11-18. Review status: criteria provided, single submitter. Criteria: ACMG Guidelines, 2015. Collection method: clinical testing. Allele origin: unknown.

Women's Health and Genetics/Laboratory Corporation of America, LabCorp
Classification: Likely pathogenic for Sphingomyelin/cholesterol lipidosis. Last evaluated: 2023-05-16. Review status: criteria provided, single submitter. Criteria: LabCorp Variant Classification Summary - May 2015. Collection method: clinical testing. Allele origin: germline.
Comment: Variant summary: SMPD1 c.152A>T (p.Asp51Val) results in a non-conservative amino acid change in the encoded protein sequence. Three of five in-silico tools predict a benign effect of the variant on protein function. The variant allele was found at a frequency of 1.2e-05 in 249640 control chromosomes. c.152A>T has been reported in the literature in individuals affected with Niemann-Pick Disease (Simonaro_2002, Wasserstein_2006), and these patients were reported as compound heterozygous with variants that may be pathogenic. These data indicate that the variant is likely to be associated with disease. To our knowledge, no experimental evidence demonstrating an impact on protein function has been reported. The following publications have been ascertained in the context of this evaluation (PMID: 12369017, 17011332). Two clinical diagnostic laboratories have submitted clinical-significance assessments for this variant to ClinVar after 2014 without evidence for independent evaluation, and classified the variant as uncertain significance. Based on the evidence outlined above, the variant was classified as likely pathogenic.

Genome-Nilou Lab
Classification: Uncertain significance for Niemann-Pick disease, type A. Last evaluated: 2021-07-22. Review status: criteria provided, single submitter. Criteria: ACMG Guidelines, 2015. Collection method: clinical testing. Allele origin: germline. Affected: no.

Genome-Nilou Lab
Classification: Uncertain significance for Niemann-Pick disease, type B. Last evaluated: 2021-07-22. Review status: criteria provided, single submitter. Criteria: ACMG Guidelines, 2015. Collection method: clinical testing. Allele origin: germline. Affected: no.

Revvity Omics, Revvity
Classification: Uncertain significance. Last evaluated: 2019-05-09. Review status: criteria provided, single submitter. Criteria: ACMG Guidelines, 2015. Collection method: clinical testing. Allele origin: germline.

Literature cited by the submitters: PubMed 12369017 (cited by Myriad Genetics, Inc. and Women's Health and Genetics/Laboratory Corporation of America, LabCorp); PubMed 17011332 (cited by Myriad Genetics, Inc. and Women's Health and Genetics/Laboratory Corporation of America, LabCorp); PubMed 25910212 (cited by Myriad Genetics, Inc.).